The following is an entry in ClinVar:

NM_001371928.1(AHDC1):c.42C>T (p.Ala14=)

Gene: AHDC1 (AT-hook DNA binding motif containing 1; minus strand). Cytogenetic location: 1p36.11.
Variant type: single nucleotide variant.
Coding change: c.42C>T on transcript NM_001371928.1 (MANE Select); coding-DNA position 42, C replaced by T.
Protein change: p.Ala14=; no amino-acid change (alanine 14 retained).
Molecular consequence: synonymous variant.
Genome position (GRCh38, 1-based): chr1:27,552,074, G>A on the plus strand (C>T on the coding strand, the complement: AHDC1 is on the minus strand). VCF-style: chr1-27552074-G-A. GRCh37 (hg19) VCF-style: chr1-27878585-G-A.
Other names: c.42C>T, p.Ala14= (NM_001029882.3).
Identifiers: ClinVar variation 760036 (VCV000760036.9), dbSNP rs1003330765, ClinGen allele CA416980157.

ClinVar aggregate classification (germline): Likely benign. Review status: criteria provided, multiple submitters, no conflicts (2 of 4 stars). 2 submissions from 2 submitters: Likely benign (2). Last evaluated 2026-06-01.

Allele frequency attached by ClinVar (database versions not stated): TOPMed 0.00003.
gnomAD v4.1: 16 of 1,490,416 alleles (0.0011%); highest among the groups gnomAD compares: African/African-American, 0.0028%; no homozygotes.

Submissions (2):

CeGaT Center for Human Genetics Tuebingen
Classification: Likely benign. Last evaluated: 2026-06-01. Review status: criteria provided, single submitter. Criteria: CeGaT Center For Human Genetics Tuebingen Variant Classification Criteria Version 2. Collection method: clinical testing. Allele origin: germline. Affected: yes. Observed: 1 variant allele.
Comment: AHDC1: BP4, BP7

Labcorp Genetics (formerly Invitae), Labcorp
Classification: Likely benign. Last evaluated: 2022-11-08. Review status: criteria provided, single submitter. Criteria: Invitae Variant Classification Sherloc (09022015). Collection method: clinical testing. Allele origin: germline.